The following is an entry in ClinVar:

ClinVar aggregate classification (germline): Conflicting classifications of pathogenicity. Review status: criteria provided, conflicting classifications (1 of 4 stars). 2 submissions from 2 submitters: Uncertain significance (1); Likely benign (1). Last evaluated 2018-01-12.

Conditions:
Maturity-onset diabetes of the young (MODY). Also called: Maturity onset diabetes mellitus in young. Identifiers: Orphanet 552, MedGen C0342276, MONDO:0018911, HP:0004904.
Renal cysts and diabetes syndrome (RCAD). Also called: Familial hypoplastic, glomerulocystic kidney; MATURITY-ONSET DIABETES OF THE YOUNG, TYPE 5. Identifiers: Orphanet 93111, MedGen C0431693, MONDO:0007669, OMIM 137920.

Allele frequency attached by ClinVar (database versions not stated): 1000 Genomes Project 0.00040; 1000 Genomes Project 30x 0.00047; gnomAD 0.00143 and 0.00154; TOPMed 0.00173; gnomAD exomes 0.00185.

Submissions (2):

Illumina Laboratory Services, Illumina
Classification: Uncertain significance for Renal cysts and diabetes syndrome. Last evaluated: 2018-01-12. Review status: criteria provided, single submitter. Criteria: ICSL Variant Classification Criteria 13 December 2019. Collection method: clinical testing. Allele origin: germline.

Clinical Genomics, Uppaluri K&H Personalized Medicine Clinic
Classification: Likely benign for Maturity-onset diabetes of the young. Review status: criteria provided, single submitter. Criteria: K & H Uppaluri Personalized Medicine Clinic Variant Classification & Assertion Criteria_Updated V.1. Collection method: research. Allele origin: unknown. Inheritance: Autosomal dominant inheritance.
Comment: HNF1B gene mutations are associated with early onset diabetes and pancreatic atrophy. It is also associated with multiple renal manifestations including renal cysts, Tubulointerstitial disease, glomerulocystic disease, renal hypoplasia, hypomagnesemia. However no sufficient evidence is found to ascertain the role of this particular variant rs188957129, yet.

Literature cited by the submitters: PubMed 24897035 (cited by Clinical Genomics, Uppaluri K&H Personalized Medicine Clinic); PubMed 25536396 (cited by Clinical Genomics, Uppaluri K&H Personalized Medicine Clinic); PubMed 27615128 (cited by Clinical Genomics, Uppaluri K&H Personalized Medicine Clinic); PubMed 28215227 (cited by Clinical Genomics, Uppaluri K&H Personalized Medicine Clinic); PubMed 33434175 (cited by Clinical Genomics, Uppaluri K&H Personalized Medicine Clinic); PubMed 25741167 (cited by Clinical Genomics, Uppaluri K&H Personalized Medicine Clinic); PubMed 26340261 (cited by Clinical Genomics, Uppaluri K&H Personalized Medicine Clinic); PubMed 19639018 (cited by Clinical Genomics, Uppaluri K&H Personalized Medicine Clinic).

NM_000458.4(HNF1B):c.*625C>T

Gene: HNF1B (HNF1 homeobox B; minus strand). Cytogenetic location: 17q12.
Variant type: single nucleotide variant.
Coding change: c.*625C>T on transcript NM_000458.4 (MANE Select); 625 bases downstream of the stop codon, C replaced by T.
Molecular consequence: 3 prime UTR variant.
Genome position (GRCh38, 1-based): chr17:37,686,747, G>A on the plus strand (C>T on the coding strand, the complement: HNF1B is on the minus strand). VCF-style: chr17-37686747-G-A. GRCh37 (hg19) VCF-style: chr17-36046750-G-A.
Other names: c.*625C>T (NM_001165923.4); c.*533C>T (NM_001304286.2).
Identifiers: ClinVar variation 892035 (VCV000892035.5), dbSNP rs188957129, ClinGen allele CA290286257.